The following is an entry in ClinVar:

ClinVar aggregate classification (germline): Uncertain significance (1 of 4 stars; one submission).

Submission:

Women's Health and Genetics/Laboratory Corporation of America, LabCorp
Classification: Uncertain significance. Last evaluated: 2022-04-15. Review status: criteria provided, single submitter. Criteria: LabCorp Variant Classification Summary - May 2015. Collection method: clinical testing. Allele origin: germline.
Comment: Variant summary: The variant identified by MLPA or other technology involves the duplication of exons 1-12 (i.e. the full coding sequence) of the ACAT1 gene. A presumed nomenclature of c.(?_-77)_(*779_?)dup has been designated for the purposes of this classification. It has been assumed that this is a tandem duplication in direct orientation (Richardson_GIM_2018, Newman_AJHG_2015). Since exact breakpoints of this duplication are not known, it might extend beyond the assayed region of the ACAT1 gene, including other flanking genes. The variant was absent in 21694 control chromosomes in the gnomAD database, structural variants dataset. The available data on variant occurrences in the general population are insufficient to allow any conclusion about variant significance. To our knowledge, no occurrence of c.(?_-77)_(*779_?)dup in individuals affected with Alpha-Methylacetoacetic Aciduria and no experimental evidence demonstrating its impact on protein function have been reported. No clinical diagnostic laboratories have submitted clinical-significance assessments for this variant to ClinVar after 2014. Based on the evidence outlined above, the variant was classified as uncertain significance.

NC_000011.9:g.(?_107992257)_(108018896_?)dup

Gene: ACAT1 (acetyl-CoA acetyltransferase 1; plus strand). Cytogenetic location: 11q22.3.
Variant type: Duplication.
Identifiers: ClinVar variation 1683397 (VCV001683397.1).